The following is an entry in ClinVar:

NM_014714.4(IFT140):c.557G>A (p.Trp186Ter)

Genes: IFT140 (intraflagellar transport 140; minus strand), LOC105371046 (uncharacterized LOC105371046; plus strand). Cytogenetic location: 16p13.3.
Variant type: single nucleotide variant.
Coding change: c.557G>A on transcript NM_014714.4 (MANE Select); coding-DNA position 557, G replaced by A.
Protein change: p.Trp186Ter; replaces tryptophan 186 with a stop codon.
Molecular consequence: nonsense.
Genome position (GRCh38, 1-based): chr16:1,592,253, C>T on the plus strand (G>A on the coding strand, the complement: IFT140 is on the minus strand). VCF-style: chr16-1592253-C-T. GRCh37 (hg19) VCF-style: chr16-1642254-C-T.
Other names: c.557G>A (NM_014714.3); short protein forms W186*.
Identifiers: ClinVar variation 591976 (VCV000591976.3), dbSNP rs1567413573, ClinGen allele CA394220315.
Genomic context (GRCh38, chr16:1,592,253, plus strand): 5'-AAGAACAACAGCCCCTCGTGAGACCCCATCTTCAGCAAACTTCCAGAACTGCTCTTCTTC[C>T]AGTTAAACATGTCCAGGGCTTTCTCATCACCGCTCACAGCTGCCTTTGCCAACTGAACCA-3'

ClinVar aggregate classification (germline): Pathogenic/Likely pathogenic. Review status: criteria provided, multiple submitters, no conflicts (2 of 4 stars). 3 submissions from 3 submitters: Pathogenic (1); Likely pathogenic (1). 1 of the submissions does not count toward it. Last evaluated 2024-09-19.

Conditions:
Renal cyst. Also called: Cystic kidney disease; cystic kidneys; Renal cysts. Identifiers: MedGen C3887499, MONDO:0002473, HP:0000107.
IFT140-related disorders.

Submissions (3):

Victorian Clinical Genetics Services, Murdoch Childrens Research Institute
Classification: Pathogenic for Renal cyst. Last evaluated: 2024-09-19. Review status: criteria provided, single submitter. Criteria: ACMG Guidelines, 2015. Collection method: clinical testing. Allele origin: germline. Inheritance: Autosomal dominant inheritance. Affected: yes.
Comment: Based on the classification scheme VCGS_Germline_v1.3.4, this variant is classified as Pathogenic. Following criteria are met: 0102 - Loss of function is a known mechanism of disease in this gene and is associated with retinitis pigmentosa 80 (MIM#617781), short-rib thoracic dysplasia 9 with or without polydactyly (MIM#266920) and cystic kidney disease (MONDO:0002473), IFT140-related (PMID: 34890546). (I) 0108 - This gene is associated with both recessive and dominant disease. Retinitis pigmentosa 80 (MIM#617781) and short-rib thoracic dysplasia 9 with or without polydactyly (MIM#266920) are inherited in an autosomal recessive manner, while cystic kidney disease (MONDO:0002473), IFT140-related is inherited in an autosomal dominant manner (OMIM, PMID: 34890546). (I) 0112 - The dominant condition associated with this gene may have incomplete penetrance. Parents of children with short-rib thoracic dysplasia 9 with or without polydactyly, who carry a single pathogenic variant that has also previously been associated with the dominant cystic kidney disease phenotype, have been reported as unaffected (PMID: 34890546). However, these parents weren't specifically assessed for cystic kidney disease. (I) 0201 - Variant is predicted to cause nonsense-mediated decay (NMD) and loss of protein (premature termination codon is located at least 54 nucleotides upstream of the final exon-exon junction). (SP) 0251 - This variant is heterozygous. (I) 0301 - Variant is absent from gnomAD (both v2 and v3). (SP) 0701 - Other NMD-predicted variants comparable to the one identified in this case have very strong previous evidence for pathogenicity (DECIPHER). These variants have been reported in families with later onset autosomal dominant polycystic kidney disease (PMID: 34890546) and autosomal recessive IFT140-related conditions (PMID: 22503633, 26968735). (SP) 0807 - This variant has no previous evidence of pathogenicity. (I) 0905 - No published segregation evidence has been identified for this variant. (I) 1007 - No published functional evidence has been identified for this variant. (I) 1208 - Inheritance information for this variant is not currently available in this individual. (I) Legend: (SP) - Supporting pathogenic, (I) - Information, (SB) - Supporting benign

Blueprint Genetics
Classification: Likely pathogenic for IFT140-related disorders. Last evaluated: 2021-09-26. Review status: criteria provided, single submitter. Criteria: ACMG Guidelines, 2015. Collection method: clinical testing. Allele origin: germline. Affected: yes. Observed: 2 variant alleles.

Gharavi Laboratory, Columbia University
Classification: Uncertain significance. Last evaluated: 2018-09-16. Review status: no assertion criteria provided. Criteria: ACMG Guidelines, 2015. Collection method: research. Allele origin: germline. Affected: yes. Not counted in ClinVar's aggregate classification.

Literature cited by the submitters: PubMed 22503633 (cited by Victorian Clinical Genetics Services, Murdoch Childrens Research Institute); PubMed 26968735 (cited by Victorian Clinical Genetics Services, Murdoch Childrens Research Institute); PubMed 34890546 (cited by Victorian Clinical Genetics Services, Murdoch Childrens Research Institute).